The following is an entry in ClinVar:

NM_022734.3(METTL17):c.517G>T (p.Ala173Ser)

Gene: METTL17 (methyltransferase like 17; plus strand). Cytogenetic location: 14q11.2.
Variant type: single nucleotide variant.
Coding change: c.517G>T on transcript NM_022734.3 (MANE Select); coding-DNA position 517, G replaced by T.
Protein change: p.Ala173Ser; replaces alanine 173 with serine.
Molecular consequence: missense variant.
Genome position (GRCh38, 1-based): chr14:20,992,611, G>T. VCF-style: chr14-20992611-G-T. GRCh37 (hg19) VCF-style: chr14-21460770-G-T.
Other names: c.517G>T, p.Ala173Ser (NM_001029991.2); short protein forms A173S.
Identifiers: ClinVar variation 2644055 (VCV002644055.24), dbSNP rs72661115, ClinGen allele CA7084365.

ClinVar aggregate classification (germline): Likely benign (1 of 4 stars; one submission).

Allele frequency attached by ClinVar (database versions not stated): 1000 Genomes Project 0.00260; 1000 Genomes Project 30x 0.00281; TOPMed 0.00595; gnomAD 0.00612; ExAC 0.00677; ESP Exome Variant Server 0.00869.
gnomAD v4.1: 13,579 of 1,613,642 alleles (0.84%); highest among the groups gnomAD compares: Non-Finnish European, 0.94%; 87 homozygotes.

Submission:

CeGaT Center for Human Genetics Tuebingen
Classification: Likely benign. Last evaluated: 2022-12-01. Review status: criteria provided, single submitter. Criteria: CeGaT Center For Human Genetics Tuebingen Variant Classification Criteria Version 2. Collection method: clinical testing. Allele origin: germline. Affected: yes. Observed: 1 variant allele.
Comment: METTL17: BS2